The following is an entry in ClinVar:

ClinVar aggregate classification (germline): Uncertain significance (1 of 4 stars; one submission).

Submission:

Labcorp Genetics (formerly Invitae), Labcorp
Classification: Uncertain significance. Last evaluated: 2023-07-11. Review status: criteria provided, single submitter. Criteria: Invitae Variant Classification Sherloc (09022015). Collection method: clinical testing. Allele origin: germline.
Comment: This sequence change replaces proline, which is neutral and non-polar, with alanine, which is neutral and non-polar, at codon 373 of the RMND1 protein (p.Pro373Ala). This variant is not present in population databases (gnomAD no frequency). This missense change has been observed in individual(s) with clinical features of RMND1-related condition (Inviate). In at least one individual the data is consistent with being in trans (on the opposite chromosome) from a pathogenic variant. ClinVar contains an entry for this variant (Variation ID: 1941533). Advanced modeling of protein sequence and biophysical properties (such as structural, functional, and spatial information, amino acid conservation, physicochemical variation, residue mobility, and thermodynamic stability) performed at Invitae indicates that this missense variant is expected to disrupt RMND1 protein function. In summary, the available evidence is currently insufficient to determine the role of this variant in disease. Therefore, it has been classified as a Variant of Uncertain Significance.

NM_017909.4(RMND1):c.1117C>G (p.Pro373Ala)

Gene: RMND1 (required for meiotic nuclear division 1 homolog; minus strand). Cytogenetic location: 6q25.1.
Variant type: single nucleotide variant.
Coding change: c.1117C>G on transcript NM_017909.4 (MANE Select); coding-DNA position 1117, C replaced by G.
Protein change: p.Pro373Ala; replaces proline 373 with alanine.
Molecular consequence: missense variant.
Genome position (GRCh38, 1-based): chr6:151,417,362, G>C on the plus strand (C>G on the coding strand, the complement: RMND1 is on the minus strand). VCF-style: chr6-151417362-G-C. GRCh37 (hg19) VCF-style: chr6-151738497-G-C.
Other names: c.607C>G, p.Pro203Ala (NM_001271937.2); short protein forms P203A, P373A.
Identifiers: ClinVar variation 1941533 (VCV001941533.3), dbSNP rs2114929853, ClinGen allele CA366057653.